The following is an entry in ClinVar:

NM_004329.3(BMPR1A):c.328T>C (p.Cys110Arg)

Gene: BMPR1A (bone morphogenetic protein receptor type 1A; plus strand). Cytogenetic location: 10q23.2.
Variant type: single nucleotide variant.
Coding change: c.328T>C on transcript NM_004329.3 (MANE Select); coding-DNA position 328, T replaced by C.
Protein change: p.Cys110Arg; replaces cysteine 110 with arginine.
Molecular consequence: missense variant.
Genome position (GRCh38, 1-based): chr10:86,892,224, T>C. VCF-style: chr10-86892224-T-C. GRCh37 (hg19) VCF-style: chr10-88651981-T-C.
Other names: c.328T>C, p.Cys110Arg (NM_001406559.1, NM_001406560.1, NM_001406561.1 and 23 more transcripts); c.244T>C, p.Cys82Arg (NM_001406584.1, NM_001406585.1, NM_001406586.1 and 2 more transcripts); short protein forms C110R, C82R.
Identifiers: ClinVar variation 1729838 (VCV001729838.3), dbSNP rs2539446695, ClinGen allele CA377448371.

ClinVar aggregate classification (germline): Uncertain significance (1 of 4 stars; one submission).

Conditions:
Hereditary cancer-predisposing syndrome. Also called: Neoplastic Syndromes, Hereditary; Tumor predisposition; Hereditary Cancer Syndrome; Hereditary neoplastic syndrome. Identifiers: Orphanet 140162, MedGen C0027672, MeSH D009386, MONDO:0015356.

Submission:

Ambry Genetics
Classification: Uncertain significance for Hereditary cancer-predisposing syndrome. Last evaluated: 2026-04-14. Review status: criteria provided, single submitter. Criteria: Ambry Variant Classification Scheme 2023. Collection method: clinical testing. Allele origin: germline.
Comment: The p.C110R variant (also known as c.328T>C), located in coding exon 3 of the BMPR1A gene, results from a T to C substitution at nucleotide position 328. The cysteine at codon 110 is replaced by arginine, an amino acid with highly dissimilar properties. This amino acid position is highly conserved in available vertebrate species. In addition, this alteration is predicted to be deleterious by in silico analysis. Based on the available evidence, the clinical significance of this variant remains unclear.